The following is an entry in ClinVar:

NM_138704.4(NSMCE3):c.145A>C (p.Ser49Arg)

Genes: ENTREP2 (endosomal transmembrane epsin interactor 2; minus strand), NSMCE3 (NSE3 homolog, SMC5-SMC6 complex component; minus strand). Cytogenetic location: 15q13.1.
Variant type: single nucleotide variant.
Coding change: c.145A>C on transcript NM_138704.4 (MANE Select); coding-DNA position 145, A replaced by C.
Protein change: p.Ser49Arg; replaces serine 49 with arginine.
Molecular consequence: missense variant. On other transcripts: intron variant (5).
Genome position (GRCh38, 1-based): chr15:29,269,561, T>G on the plus strand (A>C on the coding strand, the complement: NSMCE3 is on the minus strand). VCF-style: chr15-29269561-T-G. GRCh37 (hg19) VCF-style: chr15-29561765-T-G.
Other names: c.-12-17083A>C (NM_001387217.1, NM_001387215.1, NM_001387216.1); c.277-17083A>C (NM_001387214.1, NM_015307.2); short protein forms S49R.
Identifiers: ClinVar variation 1500637 (VCV001500637.5), dbSNP rs778266826, ClinGen allele CA7446221.

ClinVar aggregate classification (germline): Uncertain significance (1 of 4 stars; one submission).

Allele frequency attached by ClinVar (database versions not stated): gnomAD 0.00001; ExAC 0.00082.
gnomAD v4.1: 84 of 1,525,024 alleles (0.0055%); highest among the groups gnomAD compares: South Asian, 0.097%; 1 homozygote.

Submission:

Labcorp Genetics (formerly Invitae), Labcorp
Classification: Uncertain significance. Last evaluated: 2022-05-20. Review status: criteria provided, single submitter. Criteria: Invitae Variant Classification Sherloc (09022015). Collection method: clinical testing. Allele origin: germline.
Comment: This sequence change replaces serine, which is neutral and polar, with arginine, which is basic and polar, at codon 49 of the NSMCE3 protein (p.Ser49Arg). This variant is present in population databases (rs778266826, gnomAD 0.1%). This variant has not been reported in the literature in individuals affected with NSMCE3-related conditions. Algorithms developed to predict the effect of missense changes on protein structure and function (SIFT, PolyPhen-2, Align-GVGD) all suggest that this variant is likely to be tolerated. In summary, the available evidence is currently insufficient to determine the role of this variant in disease. Therefore, it has been classified as a Variant of Uncertain Significance.